The following is an entry in ClinVar:

NM_173728.4(ARHGEF15):c.2513C>T (p.Ala838Val)

Gene: ARHGEF15 (Rho guanine nucleotide exchange factor 15; plus strand). Cytogenetic location: 17p13.1.
Variant type: single nucleotide variant.
Coding change: c.2513C>T on transcript NM_173728.4 (MANE Select); coding-DNA position 2513, C replaced by T.
Protein change: p.Ala838Val; replaces alanine 838 with valine.
Molecular consequence: missense variant.
Genome position (GRCh38, 1-based): chr17:8,320,980, C>T. VCF-style: chr17-8320980-C-T. GRCh37 (hg19) VCF-style: chr17-8224298-C-T.
Other names: c.2513C>T, p.Ala838Val (NM_025014.2); short protein forms A838V.
Identifiers: ClinVar variation 4767893 (VCV004767893.1).
Genomic context (GRCh38, chr17:8,320,980, plus strand): 5'-ACCTTCGCCAGAACCAGAGGCTTCTCGAGGCTGTTGGATCTTCTTCAGGCACCCCCAATG[C>T]CCCCCCACCCTAATGCAGGCTGAGGAGGGGGCACATGTTGGGAGACACCTACCAGTGTGG-3'
Protein context (NP_776089.2, residues 828-841): AVGSSSGTPN[Ala838Val]PPP

ClinVar aggregate classification (germline): Uncertain significance (1 of 4 stars; one submission).

Conditions:
Early-infantile DEE. Also called: Ohtahara syndrome; Early infantile epileptic encephalopathy with suppression bursts; Early infantile epileptic encephalopathy. Identifiers: Orphanet 1934, MedGen C0393706, MONDO:0800491.

Submission:

Labcorp Genetics (formerly Invitae), Labcorp
Classification: Uncertain significance for Early-infantile DEE. Last evaluated: 2026-02-01. Review status: criteria provided, single submitter. Criteria: Invitae Variant Classification Sherloc (09022015). Collection method: clinical testing. Allele origin: germline.
Comment: This sequence change replaces alanine, which is neutral and non-polar, with valine, which is neutral and non-polar, at codon 838 of the ARHGEF15 protein (p.Ala838Val). This variant is present in population databases (rs749686170, gnomAD 0.006%). This variant has not been reported in the literature in individuals affected with ARHGEF15-related conditions. An algorithm developed to predict the effect of missense changes on protein structure and function outputs the following: PolyPhen-2: "Benign". The valine amino acid residue is found in multiple mammalian species, which suggests that this missense change does not adversely affect protein function. In summary, the available evidence is currently insufficient to determine the role of this variant in disease. Therefore, it has been classified as a Variant of Uncertain Significance.